The following is an entry in ClinVar:

ClinVar aggregate classification (germline): Conflicting classifications of pathogenicity. Review status: criteria provided, conflicting classifications (1 of 4 stars). 4 submissions from 4 submitters: Uncertain significance (3); Likely benign (1). Last evaluated 2025-08-11.

Conditions:
Neurofibromatosis, type 2 (SWNV). Also called: BILATERAL ACOUSTIC NEUROFIBROMATOSIS; NF2-Related Schwannomatosis; SCHWANNOMATOSIS, VESTIBULAR. Identifiers: Orphanet 637, MedGen C0027832, MONDO:0007039, OMIM 101000. Disease mechanism: loss of function.
Hereditary cancer-predisposing syndrome. Also called: Hereditary Cancer Syndrome; Hereditary neoplastic syndrome; Neoplastic Syndromes, Hereditary; Tumor predisposition. Identifiers: Orphanet 140162, MedGen C0027672, MeSH D009386, MONDO:0015356.
Familial meningioma. Also called: Meningioma, familial, susceptibility to. Identifiers: Orphanet 263662, MedGen C3551915, MONDO:0011789, OMIM 607174.

Allele frequency attached by ClinVar (database versions not stated): gnomAD exomes below 0.00001.
gnomAD v4.1: 3 of 1,613,748 alleles (0.00019%); highest among the groups gnomAD compares: Non-Finnish European, 0.00017%; no homozygotes.

Submissions (4):

Labcorp Genetics (formerly Invitae), Labcorp
Classification: Likely benign for Neurofibromatosis, type 2. Last evaluated: 2025-08-11. Review status: criteria provided, single submitter. Criteria: Invitae Variant Classification Sherloc (09022015). Collection method: clinical testing. Allele origin: germline.

Ambry Genetics
Classification: Uncertain significance for Hereditary cancer-predisposing syndrome. Last evaluated: 2025-07-03. Review status: criteria provided, single submitter. Criteria: Ambry Variant Classification Scheme 2023. Collection method: clinical testing. Allele origin: germline.
Comment: The p.D281H variant (also known as c.841G>C), located in coding exon 9 of the NF2 gene, results from a G to C substitution at nucleotide position 841. The aspartic acid at codon 281 is replaced by histidine, an amino acid with similar properties. This amino acid position is conserved. In addition, the in silico prediction for this alteration is inconclusive. Since supporting evidence is limited at this time, the clinical significance of this alteration remains unclear.

Blueprint Genetics
Classification: Uncertain significance. Last evaluated: 2024-08-22. Review status: criteria provided, single submitter. Criteria: ACMG Guidelines, 2015. Collection method: clinical testing. Allele origin: germline.

Fulgent Genetics
Classification: Uncertain significance for Neurofibromatosis, type 2; Familial meningioma. Last evaluated: 2024-02-22. Review status: criteria provided, single submitter. Criteria: ACMG Guidelines, 2015. Collection method: clinical testing. Allele origin: germline.

NM_000268.4(NF2):c.841G>C (p.Asp281His)

Gene: NF2 (NF2, moesin-ezrin-radixin like (MERLIN) tumor suppressor; plus strand). Cytogenetic location: 22q12.2.
Variant type: single nucleotide variant.
Coding change: c.841G>C on transcript NM_000268.4 (MANE Select); coding-DNA position 841, G replaced by C.
Protein change: p.Asp281His; replaces aspartic acid 281 with histidine.
Molecular consequence: missense variant. On other transcripts: non-coding transcript variant (1), intron variant (1).
Genome position (GRCh38, 1-based): chr22:29,665,020, G>C. VCF-style: chr22-29665020-G-C. GRCh37 (hg19) VCF-style: chr22-30061009-G-C.
Other names: c.727G>C, p.Asp243His (NM_001407053.1, NM_001407056.1); c.718G>C, p.Asp240His (NM_001407054.1, NM_001407058.1, NM_181829.3); c.715G>C, p.Asp239His (NM_001407055.1, NM_181828.3); c.706G>C, p.Asp236His (NM_001407057.1, NM_001407059.1); c.841G>C, p.Asp281His (NM_001407060.1, NM_001407066.1, NM_016418.5 and 2 more transcripts); c.583G>C, p.Asp195His (NM_001407062.1); c.592G>C, p.Asp198His (NM_001407063.1, NM_001407064.1, NM_181830.3 and 1 more transcripts); c.307G>C, p.Asp103His (NM_001407065.1); and 2 more; short protein forms D103H, D195H, D243H, D239H, D240H, D198H, D236H, D204H.
Identifiers: ClinVar variation 1763321 (VCV001763321.10), dbSNP rs1296989223, ClinGen allele CA411144599.